The following is an entry in ClinVar:

ClinVar aggregate classification (germline): Likely benign. Review status: criteria provided, multiple submitters, no conflicts (2 of 4 stars). 5 submissions from 5 submitters: Likely benign (5). Last evaluated 2025-01-03.

Conditions:
Dyskeratosis congenita, autosomal recessive 5 (DKCB5). Identifiers: MedGen C3554656, MONDO:0014076, OMIM 615190.
Pulmonary fibrosis and/or bone marrow failure, Telomere-related, 3. Also called: PULMONARY FIBROSIS AND/OR BONE MARROW FAILURE SYNDROME, TELOMERE-RELATED, 3. Identifiers: Orphanet 2032, MedGen C4225346, MONDO:0014613, OMIM 616373.
Inborn genetic diseases. Identifiers: MedGen C0950123, MeSH D030342.

Allele frequency attached by ClinVar (database versions not stated): gnomAD exomes below 0.00001 and 0.00001.
gnomAD v4.1: 13 of 1,582,950 alleles (0.00082%); highest among the groups gnomAD compares: Non-Finnish European, 0.0011%; no homozygotes.

Submissions (5):

Ambry Genetics
Classification: Likely benign for Inborn genetic diseases. Last evaluated: 2025-01-03. Review status: criteria provided, single submitter. Criteria: Ambry Variant Classification Scheme 2023. Collection method: clinical testing. Allele origin: germline.

CeGaT Center for Human Genetics Tuebingen
Classification: Likely benign. Last evaluated: 2024-09-01. Review status: criteria provided, single submitter. Criteria: CeGaT Center For Human Genetics Tuebingen Variant Classification Criteria Version 2. Collection method: clinical testing. Allele origin: germline. Affected: yes. Observed: 1 variant allele.
Comment: RTEL1: BP4, BP7

Labcorp Genetics (formerly Invitae), Labcorp
Classification: Likely benign for Dyskeratosis congenita, autosomal recessive 5; Pulmonary fibrosis and/or bone marrow failure, Telomere-related, 3. Last evaluated: 2024-02-09. Review status: criteria provided, single submitter. Criteria: Invitae Variant Classification Sherloc (09022015). Collection method: clinical testing. Allele origin: germline.

Women's Health and Genetics/Laboratory Corporation of America, LabCorp
Classification: Likely benign. Last evaluated: 2024-01-31. Review status: criteria provided, single submitter. Criteria: LabCorp Variant Classification Summary - May 2015. Collection method: clinical testing. Allele origin: germline.
Comment: Variant summary: RTEL1 c.3690A>G alters a non-conserved nucleotide resulting in a synonymous change. Consensus agreement among computation tools predict no significant impact on normal splicing. However, these predictions have yet to be confirmed by functional studies. The variant allele was found at a frequency of 4.5e-06 in 223458 control chromosomes (gnomAD). The available data on variant occurrences in the general population are insufficient to allow any conclusion about variant significance. To our knowledge, no occurrence of c.3690A>G in individuals affected with Dyskeratosis Congenita (Hoyeraal Hreidarsson Syndrome) and no experimental evidence demonstrating its impact on protein function have been reported. ClinVar contains an entry for this variant (Variation ID: 1161442). Based on the evidence outlined above, the variant was classified as likely benign.

Blueprint Genetics
Classification: Likely benign. Last evaluated: 2023-12-27. Review status: criteria provided, single submitter. Criteria: ACMG Guidelines, 2015. Collection method: clinical testing. Allele origin: germline.

NM_001283009.2(RTEL1):c.3618A>G (p.Ser1206=)

Genes: RTEL1 (regulator of telomere elongation helicase 1; plus strand), RTEL1-TNFRSF6B (RTEL1-TNFRSF6B readthrough (NMD candidate); plus strand). Cytogenetic location: 20q13.33.
Variant type: single nucleotide variant.
Coding change: c.3618A>G on transcript NM_001283009.2 (MANE Select); coding-DNA position 3618, A replaced by G.
Protein change: p.Ser1206=; no amino-acid change (serine 1206 retained).
Molecular consequence: synonymous variant. On other transcripts: non-coding transcript variant (1).
Genome position (GRCh38, 1-based): chr20:63,695,446, A>G. VCF-style: chr20-63695446-A-G. GRCh37 (hg19) VCF-style: chr20-62326799-A-G.
Other names: c.2949A>G, p.Ser983= (NM_001283010.1); c.3618A>G, p.Ser1206= (NM_016434.4); c.3690A>G, p.Ser1230= (NM_032957.5).
Identifiers: ClinVar variation 1161442 (VCV001161442.26), dbSNP rs200452563, ClinGen allele CA317529972.